The following is an entry in ClinVar:

ClinVar aggregate classification (germline): Pathogenic. Review status: criteria provided, multiple submitters, no conflicts (2 of 4 stars). 5 submissions from 5 submitters: Pathogenic (2). 3 of the submissions do not count toward it. Last evaluated 2024-11-14.

Conditions:
VWF-related disorder. Also called: VWF-related condition; VWF-related disorders.
von Willebrand disease type 2 (VWD2). Also called: VON WILLEBRAND DISEASE, TYPE 2A/IIE; VON WILLEBRAND DISEASE, TYPE 2CB; VON WILLEBRAND DISEASE, TYPE II; VWD, TYPE 2. Identifiers: Orphanet 166081, Orphanet 903, MedGen C1264040, MONDO:0013304, OMIM 613554.

Allele frequency attached by ClinVar (database versions not stated): gnomAD 0.00001.
gnomAD v4.1: 2 of 1,613,836 alleles (0.00012%); highest among the groups gnomAD compares: African/African-American, 0.0013%; no homozygotes.

Submissions (5):

Mayo Clinic Laboratories, Mayo Clinic
Classification: Pathogenic. Last evaluated: 2024-11-14. Review status: criteria provided, single submitter. Criteria: ACMG Guidelines, 2015. Collection method: clinical testing. Allele origin: germline. Observed: 2 variant alleles.
Comment: PP3, PM2_supporting, PM5, PS3, PS4_moderate

Quest Diagnostics Nichols Institute San Juan Capistrano
Classification: Pathogenic. Last evaluated: 2022-05-04. Review status: criteria provided, single submitter. Criteria: Quest Diagnostics criteria. Collection method: clinical testing. Allele origin: unknown.
Comment: This variant has not been reported in large, multi-ethnic general populations. In the published literature, the variant has been reported in multiple individuals with type 2B von Willebrand disease (VWD) (PMIDs: 9198195 (1997), 9858249 (1998), 17598021 (2007), 28971901 (2017)). This variant is located in the glycoprotein Ib (GPIb)-binding site of VWF, and has been shown to allow normal VWF multimerization but cause abnormal increased affinity of plasma VWF for platelets (PMIDs: 9108394 (1997), 9858249 (1998), 20200350 (2010)). Based on the available information, this variant is classified as pathogenic.

PreventionGenetics, part of Exact Sciences
Classification: Pathogenic for VWF-related condition. Last evaluated: 2024-03-18. Review status: no assertion criteria provided. Collection method: clinical testing. Allele origin: germline. Not counted in ClinVar's aggregate classification.
Comment: The VWF c.3917G>A variant is predicted to result in the amino acid substitution p.Arg1306Gln. This variant (aka p.Arg543Gln) has been reported in multiple individuals with von Willebrand disease (VWD) type 2B (Hilbert et al. 1998. PubMed ID: 9858249; Szántó et al. 2007. PubMed ID: 17598021; Borràs et al. 2017. PubMed ID: 28971901. Table S7; Sadler et al. 2021. PubMed ID: 33556167. Table S3). In vitro and in vivo functional studies have demonstrated that this variant increases VWF binding affinity toward platelet-bound glycoprotein 1b-alpha (GP1Ba), leading to platelet aggregation (Yago et al. 2008. PubMed ID: 18725999; Rayes et al. 2010. PubMed ID: 20200350; Tischer et al. 2014. PubMed ID: 25185554). Additional studies using an in vivo mouse model found that this variant also increases VWF binding affinity toward macrophage-bound LRP1, leading to increased clearance of mutant VWF from circulation (Wohner et al. 2015. PubMed ID: 25728415). This variant has not been reported in a large population database, indicating this variant is rare. Of note, a different missense variant at the same amino acid position (p.Arg1306Trp) is one of the most commonly reported disease-causing variants in patients with VWD type 2B (for example, see Ozeki et al. 2010. PubMed ID: 19740526; Borràs et al. 2017. PubMed ID: 28971901; Sadler et al. 2021. PubMed ID: 33556167). Taken together, the p.Arg1306Gln variant is interpreted as pathogenic.

Angelo Bianchi Bonomi Hemophilia and Thrombosis Center, Fondazione IRCCS Ca Granda Ospedale Maggiore Policlinico
Classification: Pathogenic for von Willebrand disease type 2. Last evaluated: 2022-04-26. Review status: no assertion criteria provided. Collection method: clinical testing. Allele origin: germline. Affected: yes. Not counted in ClinVar's aggregate classification.

Academic Unit of Haematology, University of Sheffield
No classification provided. Review status: no classification provided. Collection method: not provided. Allele origin: not provided. Not counted in ClinVar's aggregate classification.

Literature cited by the submitters: PubMed 12183630 (cited by Mayo Clinic Laboratories, Mayo Clinic); PubMed 15039442 (cited by Mayo Clinic Laboratories, Mayo Clinic); PubMed 16704443 (cited by Mayo Clinic Laboratories, Mayo Clinic); PubMed 17598021 (cited by Mayo Clinic Laboratories, Mayo Clinic and Quest Diagnostics Nichols Institute San Juan Capistrano); PubMed 18725999 (cited by Mayo Clinic Laboratories, Mayo Clinic and Quest Diagnostics Nichols Institute San Juan Capistrano); PubMed 20200350 (cited by Mayo Clinic Laboratories, Mayo Clinic and Quest Diagnostics Nichols Institute San Juan Capistrano); PubMed 25185554 (cited by Mayo Clinic Laboratories, Mayo Clinic and Quest Diagnostics Nichols Institute San Juan Capistrano); PubMed 25689060 (cited by Mayo Clinic Laboratories, Mayo Clinic); PubMed 25728415 (cited by Mayo Clinic Laboratories, Mayo Clinic and Quest Diagnostics Nichols Institute San Juan Capistrano); PubMed 28971901 (cited by Mayo Clinic Laboratories, Mayo Clinic and Quest Diagnostics Nichols Institute San Juan Capistrano); PubMed 33556167 (cited by Mayo Clinic Laboratories, Mayo Clinic); PubMed 9108394 (cited by Mayo Clinic Laboratories, Mayo Clinic and Quest Diagnostics Nichols Institute San Juan Capistrano); PubMed 9198195 (cited by Mayo Clinic Laboratories, Mayo Clinic and Quest Diagnostics Nichols Institute San Juan Capistrano); PubMed 9459349 (cited by Mayo Clinic Laboratories, Mayo Clinic); PubMed 9858249 (cited by Mayo Clinic Laboratories, Mayo Clinic and Quest Diagnostics Nichols Institute San Juan Capistrano).

NM_000552.5(VWF):c.3917G>A (p.Arg1306Gln)

Gene: VWF (von Willebrand factor; minus strand). Cytogenetic location: 12p13.31.
Variant type: single nucleotide variant.
Coding change: c.3917G>A on transcript NM_000552.5 (MANE Select); coding-DNA position 3917, G replaced by A.
Protein change: p.Arg1306Gln; replaces arginine 1306 with glutamine.
Molecular consequence: missense variant.
Genome position (GRCh38, 1-based): chr12:6,019,501, C>T on the plus strand (G>A on the coding strand, the complement: VWF is on the minus strand). VCF-style: chr12-6019501-C-T. GRCh37 (hg19) VCF-style: chr12-6128667-C-T.
Other names: c.3917G>A (NM_000552.4); short protein forms R1306Q.
Identifiers: ClinVar variation 100300 (VCV000100300.6), dbSNP rs61749385, ClinGen allele CA228482.